The following is an entry in ClinVar:

NM_031885.5(BBS2):c.1527+2T>G

Gene: BBS2 (Bardet-Biedl syndrome 2; minus strand). Cytogenetic location: 16q13.
Variant type: single nucleotide variant.
Coding change: c.1527+2T>G on transcript NM_031885.5 (MANE Select); the canonical splice donor site of the intron after coding-DNA position 1527, T replaced by G.
Molecular consequence: splice donor variant.
Genome position (GRCh38, 1-based): chr16:56,499,776, A>C on the plus strand (T>G on the coding strand, the complement: BBS2 is on the minus strand). VCF-style: chr16-56499776-A-C. GRCh37 (hg19) VCF-style: chr16-56533688-A-C.
Other names: c.1527+2T>G (NM_001377456.1).
Identifiers: ClinVar variation 2718045 (VCV002718045.3), dbSNP rs2543704184, ClinGen allele CA395977477.
Genomic context (GRCh38, chr16:56,499,776, plus strand): 5'-GAAATAACATCTAAAGGATTCTACTGTGTAAAAGCATTGAAAGAGAAAAGCGAGATACTC[A>C]CCCTCTGTGCCCGTTCTGCAATGGTAAAGTTAACATAACTGATTGGCTCACTGGCAGGGT-3'

ClinVar aggregate classification (germline): Likely pathogenic (1 of 4 stars; one submission).

Conditions:
Bardet-Biedl syndrome (BBS). Identifiers: Orphanet 110, MedGen C0752166, MONDO:0015229.

Submission:

Labcorp Genetics (formerly Invitae), Labcorp
Classification: Likely pathogenic for Bardet-Biedl syndrome. Last evaluated: 2023-06-16. Review status: criteria provided, single submitter. Criteria: Invitae Variant Classification Sherloc (09022015). Collection method: clinical testing. Allele origin: germline.
Comment: In summary, the currently available evidence indicates that the variant is pathogenic, but additional data are needed to prove that conclusively. Therefore, this variant has been classified as Likely Pathogenic. Algorithms developed to predict the effect of sequence changes on RNA splicing suggest that this variant may disrupt the consensus splice site. This variant has not been reported in the literature in individuals affected with BBS2-related conditions. This variant is not present in population databases (gnomAD no frequency). This sequence change affects a donor splice site in intron 12 of the BBS2 gene. It is expected to disrupt RNA splicing. Variants that disrupt the donor or acceptor splice site typically lead to a loss of protein function (PMID: 16199547), and loss-of-function variants in BBS2 are known to be pathogenic (PMID: 11285252, 20177705, 24608809, 26518167).

Literature cited by the submitters: PubMed 16199547; PubMed 11285252; PubMed 20177705; PubMed 24608809; PubMed 26518167.